The following is an entry in ClinVar:

NM_138295.5(PKD1L1):c.6357G>A (p.Glu2119=)

Gene: PKD1L1 (polycystin 1 like 1, transient receptor potential channel interacting; minus strand). Cytogenetic location: 7p12.3.
Variant type: single nucleotide variant.
Coding change: c.6357G>A on transcript NM_138295.5 (MANE Select); coding-DNA position 6357, G replaced by A.
Protein change: p.Glu2119=; no amino-acid change (glutamic acid 2119 retained).
Molecular consequence: synonymous variant.
Genome position (GRCh38, 1-based): chr7:47,831,333, C>T on the plus strand (G>A on the coding strand, the complement: PKD1L1 is on the minus strand). VCF-style: chr7-47831333-C-T. GRCh37 (hg19) VCF-style: chr7-47870931-C-T.
Identifiers: ClinVar variation 1027704 (VCV001027704.6), dbSNP rs140064044, ClinGen allele CA4252476.

ClinVar aggregate classification (germline): Conflicting classifications of pathogenicity. Review status: criteria provided, conflicting classifications (1 of 4 stars). 4 submissions from 4 submitters: Uncertain significance (1); Likely benign (2). 1 of the submissions does not count toward it. Last evaluated 2024-10-07.

Conditions:
Heterotaxy, visceral, 8, autosomal (HTX8). Identifiers: MedGen C4310668, MONDO:0014967, OMIM 617205.
PKD1L1-related disorder. Also called: PKD1L1-related condition.

Allele frequency attached by ClinVar (database versions not stated): gnomAD 0.00002; ExAC 0.00003; gnomAD exomes 0.00003 and 0.00004; TOPMed 0.00003; ESP Exome Variant Server 0.00015.
gnomAD v4.1: 55 of 1,613,598 alleles (0.0034%); highest among the groups gnomAD compares: Admixed American, 0.01%; no homozygotes.

Submissions (4):

Labcorp Genetics (formerly Invitae), Labcorp
Classification: Likely benign. Last evaluated: 2024-10-07. Review status: criteria provided, single submitter. Criteria: Invitae Variant Classification Sherloc (09022015). Collection method: clinical testing. Allele origin: germline.

Blueprint Genetics
Classification: Likely benign. Last evaluated: 2023-09-19. Review status: criteria provided, single submitter. Criteria: ACMG Guidelines, 2015. Collection method: clinical testing. Allele origin: germline.

Baylor Genetics
Classification: Uncertain significance for Heterotaxy, visceral, 8, autosomal. Last evaluated: 2019-12-05. Review status: criteria provided, single submitter. Criteria: ACMG Guidelines, 2015. Collection method: clinical testing. Allele origin: unknown. Affected: yes.
Comment: This variant was determined to be of uncertain significance according to ACMG Guidelines, 2015 [PMID:25741868].

PreventionGenetics, part of Exact Sciences
Classification: Likely benign for PKD1L1-related condition. Last evaluated: 2023-12-13. Review status: no assertion criteria provided. Collection method: clinical testing. Allele origin: germline. Not counted in ClinVar's aggregate classification.
Comment: This variant is classified as likely benign based on ACMG/AMP sequence variant interpretation guidelines (Richards et al. 2015 PMID: 25741868, with internal and published modifications).